The following is an entry in ClinVar:

NM_012338.4(TSPAN12):c.528G>A (p.Trp176Ter)

Gene: TSPAN12 (tetraspanin 12; minus strand). Cytogenetic location: 7q31.31.
Variant type: single nucleotide variant.
Coding change: c.528G>A on transcript NM_012338.4 (MANE Select); coding-DNA position 528, G replaced by A.
Protein change: p.Trp176Ter; replaces tryptophan 176 with a stop codon.
Molecular consequence: nonsense.
Genome position (GRCh38, 1-based): chr7:120,806,633, C>T on the plus strand (G>A on the coding strand, the complement: TSPAN12 is on the minus strand). VCF-style: chr7-120806633-C-T. GRCh37 (hg19) VCF-style: chr7-120446687-C-T.
Other names: short protein forms W176*.
Identifiers: ClinVar variation 4724264 (VCV004724264.1).

ClinVar aggregate classification (germline): Pathogenic (1 of 4 stars; one submission).

gnomAD v4.1: 1 of 1,613,508 alleles (0.000062%); highest among the groups gnomAD compares: Non-Finnish European, 0.000085%; no homozygotes.

Submission:

Labcorp Genetics (formerly Invitae), Labcorp
Classification: Pathogenic. Last evaluated: 2025-09-07. Review status: criteria provided, single submitter. Criteria: Invitae Variant Classification Sherloc (09022015). Collection method: clinical testing. Allele origin: germline.
Comment: This sequence change creates a premature translational stop signal (p.Trp176*) in the TSPAN12 gene. It is expected to result in an absent or disrupted protein product. Loss-of-function variants in TSPAN12 are known to be pathogenic (PMID: 20159112, 21334594). This variant is not present in population databases (gnomAD no frequency). This premature translational stop signal has been observed in individual(s) with exudative vitreoretinopathy (PMID: 30452590). For these reasons, this variant has been classified as Pathogenic.

Literature cited by the submitters: PubMed 20159112; PubMed 21334594; PubMed 30452590.